The following is an entry in ClinVar:

ClinVar aggregate classification (germline): Uncertain significance (1 of 4 stars; one submission).

Conditions:
Adams-Oliver syndrome 5 (AOS5). Identifiers: Orphanet 974, MedGen C4014970, MONDO:0014459, OMIM 616028.

gnomAD v4.1: 1 of 1,610,760 alleles (0.000062%); highest among the groups gnomAD compares: Non-Finnish European, 0.000085%; no homozygotes.

Submission:

Labcorp Genetics (formerly Invitae), Labcorp
Classification: Uncertain significance for Adams-Oliver syndrome 5. Last evaluated: 2025-10-17. Review status: criteria provided, single submitter. Criteria: Invitae Variant Classification Sherloc (09022015). Collection method: clinical testing. Allele origin: germline.
Comment: This sequence change replaces glycine, which is neutral and non-polar, with glutamic acid, which is acidic and polar, at codon 1435 of the NOTCH1 protein (p.Gly1435Glu). This variant is not present in population databases (gnomAD no frequency). This variant has not been reported in the literature in individuals affected with NOTCH1-related conditions. Invitae Evidence Modeling of protein sequence and biophysical properties (such as structural, functional, and spatial information, amino acid conservation, physicochemical variation, residue mobility, and thermodynamic stability) indicates that this missense variant is not expected to disrupt NOTCH1 protein function with a negative predictive value of 95%. In summary, the available evidence is currently insufficient to determine the role of this variant in disease. Therefore, it has been classified as a Variant of Uncertain Significance.

NM_017617.5(NOTCH1):c.4304G>A (p.Gly1435Glu)

Gene: NOTCH1 (notch receptor 1; minus strand). Cytogenetic location: 9q34.3.
Variant type: single nucleotide variant.
Coding change: c.4304G>A on transcript NM_017617.5 (MANE Select); coding-DNA position 4304, G replaced by A.
Protein change: p.Gly1435Glu; replaces glycine 1435 with glutamic acid.
Molecular consequence: missense variant.
Genome position (GRCh38, 1-based): chr9:136,505,592, C>T on the plus strand (G>A on the coding strand, the complement: NOTCH1 is on the minus strand). VCF-style: chr9-136505592-C-T. GRCh37 (hg19) VCF-style: chr9-139400044-C-T.
Other names: short protein forms G1435E.
Identifiers: ClinVar variation 4782081 (VCV004782081.1).